The following is an entry in ClinVar:

ClinVar aggregate classification (germline): Uncertain significance (1 of 4 stars; one submission).

gnomAD v4.1: 17 of 1,613,692 alleles (0.0011%); highest among the groups gnomAD compares: Middle Eastern, 0.049%; no homozygotes.

Submission:

Labcorp Genetics (formerly Invitae), Labcorp
Classification: Uncertain significance. Last evaluated: 2025-03-31. Review status: criteria provided, single submitter. Criteria: Invitae Variant Classification Sherloc (09022015). Collection method: clinical testing. Allele origin: germline.
Comment: This sequence change replaces alanine, which is neutral and non-polar, with threonine, which is neutral and polar, at codon 1097 of the PDE3A protein (p.Ala1097Thr). This variant is present in population databases (rs143256325, gnomAD 0.006%). This variant has not been reported in the literature in individuals affected with PDE3A-related conditions. An algorithm developed to predict the effect of missense changes on protein structure and function outputs the following: PolyPhen-2: "Benign". The threonine amino acid residue is found in multiple mammalian species, which suggests that this missense change does not adversely affect protein function. In summary, the available evidence is currently insufficient to determine the role of this variant in disease. Therefore, it has been classified as a Variant of Uncertain Significance.

NM_000921.5(PDE3A):c.3289G>A (p.Ala1097Thr)

Gene: PDE3A (phosphodiesterase 3A; plus strand). Cytogenetic location: 12p12.2.
Variant type: single nucleotide variant.
Coding change: c.3289G>A on transcript NM_000921.5 (MANE Select); coding-DNA position 3289, G replaced by A.
Protein change: p.Ala1097Thr; replaces alanine 1097 with threonine.
Molecular consequence: missense variant. On other transcripts: 3 prime UTR variant (1).
Genome position (GRCh38, 1-based): chr12:20,680,134, G>A. VCF-style: chr12-20680134-G-A. GRCh37 (hg19) VCF-style: chr12-20833068-G-A.
Other names: c.2323G>A, p.Ala775Thr (NM_001244683.2); c.2983G>A, p.Ala995Thr (NM_001378407.1); c.*17G>A (NM_001378408.1); short protein forms A1097T, A775T, A995T.
Identifiers: ClinVar variation 3615342 (VCV003615342.2).